The following is an entry in ClinVar:

NM_017534.6(MYH2):c.453C>G (p.Ala151=)

Genes: MYH2 (myosin heavy chain 2; minus strand), MYHAS (myosin heavy chain gene cluster antisense RNA; plus strand). Cytogenetic location: 17p13.1.
Variant type: single nucleotide variant.
Coding change: c.453C>G on transcript NM_017534.6 (MANE Select); coding-DNA position 453, C replaced by G.
Protein change: p.Ala151=; no amino-acid change (alanine 151 retained).
Molecular consequence: synonymous variant.
Genome position (GRCh38, 1-based): chr17:10,545,398, G>C on the plus strand (C>G on the coding strand, the complement: MYH2 is on the minus strand). VCF-style: chr17-10545398-G-C. GRCh37 (hg19) VCF-style: chr17-10448715-G-C.
Other names: c.453C>G, p.Ala151= (NM_001100112.2).
Identifiers: ClinVar variation 3898642 (VCV003898642.7).
Genomic context (GRCh38, chr17:10,545,398, plus strand): 5'-TCACTCACCAGTCAGCATGAACTGATAGGCGTTGTCAGAGATGGAGAAGATGTGGGGCGG[G>C]GCCTCCTGGCGCTTTTTGCCTCGGTAGGCTGTCACCACCTCGGGCTTATACACAGGCAGC-3'
Protein context (NP_060004.3, residues 141-161): TAYRGKKRQE[Ala151=]PPHIFSISDN

ClinVar aggregate classification (germline): Likely benign (1 of 4 stars; one submission).

Submission:

CeGaT Center for Human Genetics Tuebingen
Classification: Likely benign. Last evaluated: 2025-04-01. Review status: criteria provided, single submitter. Criteria: CeGaT Center For Human Genetics Tuebingen Variant Classification Criteria Version 2. Collection method: clinical testing. Allele origin: germline. Affected: yes. Observed: 1 variant allele.
Comment: MYH2: PM2:Supporting, BP4, BP7